The following is an entry in ClinVar:

NM_002439.5(MSH3):c.965G>A (p.Arg322Lys)

Genes: MSH3 (mutS homolog 3; plus strand), LOC126807437 (MED14-independent group 3 enhancer GRCh37_chr5:79968379-79969578; plus strand). Cytogenetic location: 5q14.1.
Variant type: single nucleotide variant.
Coding change: c.965G>A on transcript NM_002439.5 (MANE Select); coding-DNA position 965, G replaced by A.
Protein change: p.Arg322Lys; replaces arginine 322 with lysine.
Molecular consequence: missense variant.
Genome position (GRCh38, 1-based): chr5:80,672,796, G>A. VCF-style: chr5-80672796-G-A. GRCh37 (hg19) VCF-style: chr5-79968615-G-A.
Other names: short protein forms R322K.
Identifiers: ClinVar variation 1042678 (VCV001042678.11), dbSNP rs1749753063, ClinGen allele CA360267434.
Genomic context (GRCh38, chr5:80,672,796, plus strand): 5'-TGAAGGTGGGAGTTGTGAAGCAAACTGAAACTGCAGCATTAAAGGCCATTGGAGACAACA[G>A]AAGTTCACTCTTTTCCCGGAAATTGACTGCCCTTTATACAAAATCTACACTTATTGGAGA-3'
Protein context (NP_002430.3, residues 312-332): TAALKAIGDN[Arg322Lys]SSLFSRKLTA

ClinVar aggregate classification (germline): Conflicting classifications of pathogenicity. Review status: criteria provided, conflicting classifications (1 of 4 stars). 3 submissions from 3 submitters: Uncertain significance (2); Likely benign (1). Last evaluated 2025-03-04.

Conditions:
Hereditary cancer-predisposing syndrome. Also called: Hereditary Cancer Syndrome; Tumor predisposition; Hereditary neoplastic syndrome; Neoplastic Syndromes, Hereditary. Identifiers: Orphanet 140162, MedGen C0027672, MeSH D009386, MONDO:0015356.

Submissions (3):

Center for Genomic Medicine, Rigshospitalet, Copenhagen University Hospital
Classification: Uncertain significance. Last evaluated: 2025-03-04. Review status: criteria provided, single submitter. Criteria: ACMG Guidelines, 2015. Collection method: clinical testing. Allele origin: germline.

Ambry Genetics
Classification: Likely benign for Hereditary cancer-predisposing syndrome. Last evaluated: 2021-05-27. Review status: criteria provided, single submitter. Criteria: Ambry Variant Classification Scheme 2023. Collection method: clinical testing. Allele origin: germline.

Labcorp Genetics (formerly Invitae), Labcorp
Classification: Uncertain significance. Last evaluated: 2021-02-12. Review status: criteria provided, single submitter. Criteria: Invitae Variant Classification Sherloc (09022015). Collection method: clinical testing. Allele origin: germline.
Comment: This sequence change replaces arginine with lysine at codon 322 of the MSH3 protein (p.Arg322Lys). The arginine residue is weakly conserved and there is a small physicochemical difference between arginine and lysine. This variant is not present in population databases (ExAC no frequency). This variant has not been reported in the literature in individuals with MSH3-related conditions. Algorithms developed to predict the effect of missense changes on protein structure and function output the following: SIFT: "Tolerated"; PolyPhen-2: "Benign"; Align-GVGD: "Class C0". The lysine amino acid residue is found in multiple mammalian species, suggesting that this missense change does not adversely affect protein function. These predictions have not been confirmed by published functional studies and their clinical significance is uncertain. In summary, the available evidence is currently insufficient to determine the role of this variant in disease. Therefore, it has been classified as a Variant of Uncertain Significance.